The following is an entry in ClinVar:

ClinVar aggregate classification (germline): Likely benign. Review status: criteria provided, multiple submitters, no conflicts (2 of 4 stars). 2 submissions from 2 submitters: Likely benign (2). Last evaluated 2024-12-20.

Allele frequency attached by ClinVar (database versions not stated): ExAC 0.00011; gnomAD exomes 0.00012 and 0.00034; gnomAD 0.00015 and 0.00016; TOPMed 0.00014; ESP Exome Variant Server 0.00038.
gnomAD v4.1: 525 of 1,593,930 alleles (0.033%); highest among the groups gnomAD compares: Non-Finnish European, 0.042%; no homozygotes.

Submissions (2):

Labcorp Genetics (formerly Invitae), Labcorp
Classification: Likely benign. Last evaluated: 2024-12-20. Review status: criteria provided, single submitter. Criteria: Invitae Variant Classification Sherloc (09022015). Collection method: clinical testing. Allele origin: germline.

GeneDx
Classification: Likely benign. Last evaluated: 2018-05-15. Review status: criteria provided, single submitter. Criteria: GeneDx Variant Classification (06012015). Collection method: clinical testing. Allele origin: germline. Affected: yes.
Comment: This variant is considered likely benign or benign based on one or more of the following criteria: it is a conservative change, it occurs at a poorly conserved position in the protein, it is predicted to be benign by multiple in silico algorithms, and/or has population frequency not consistent with disease.

NM_021100.5(NFS1):c.98-4T>A

Gene: NFS1 (NFS1 cysteine desulfurase; minus strand). Cytogenetic location: 20q11.22.
Variant type: single nucleotide variant.
Coding change: c.98-4T>A on transcript NM_021100.5 (MANE Select); 4 bases into the intron before coding-DNA position 98, T replaced by A.
Molecular consequence: intron variant.
Genome position (GRCh38, 1-based): chr20:35,698,594, A>T on the plus strand (T>A on the coding strand, the complement: NFS1 is on the minus strand). VCF-style: chr20-35698594-A-T. GRCh37 (hg19) VCF-style: chr20-34286516-A-T.
Other names: c.98-4T>A (NM_001198989.2).
Identifiers: ClinVar variation 682550 (VCV000682550.8), dbSNP rs370703105, ClinGen allele CA9837372.